The following is an entry in ClinVar:

NM_001370259.2(MEN1):c.1734_1737delinsCAGCGCCATCAAGCTGCG (p.Gln578fs)

Gene: MEN1 (menin 1; minus strand). Cytogenetic location: 11q13.1.
Variant type: Indel.
Coding change: c.1734_1737delinsCAGCGCCATCAAGCTGCG on transcript NM_001370259.2 (MANE Select); coding-DNA positions 1734 to 1737, ACTC replaced by CAGCGCCATCAAGCTGCG.
Protein change: p.Gln578fs; shifts the reading frame from glutamine 578.
Molecular consequence: frameshift variant. On other transcripts: non-coding transcript variant (4).
Genome position (GRCh38, 1-based): chr11:64,804,430-64,804,433, GAGT replaced by CGCAGCTTGATGGCGCTG on the plus strand (ACTC replaced by CAGCGCCATCAAGCTGCG on the coding strand, the reverse complement: MEN1 is on the minus strand). VCF-style: chr11-64804430-GAGT-CGCAGCTTGATGGCGCTG. GRCh37 (hg19) VCF-style: chr11-64571902-GAGT-CGCAGCTTGATGGCGCTG.
Other names: c.1749_1752delinsCAGCGCCATCAAGCTGCG, p.Gln583fs (NM_000244.4, NM_001407145.1, NM_130800.3 and 4 more transcripts); c.1860_1863delinsCAGCGCCATCAAGCTGCG, p.Gln620fs (NM_001370251.2, NM_001407142.1, NM_001407143.1 and 1 more transcripts); c.1734_1737delinsCAGCGCCATCAAGCTGCG, p.Gln578fs (NM_001370260.2, NM_001370261.2, NM_001407146.1 and 2 more transcripts); c.1629_1632delinsCAGCGCCATCAAGCTGCG, p.Gln543fs (NM_001370262.2, NM_001370263.2, NM_001407148.1 and 1 more transcripts); c.1875_1878delinsCAGCGCCATCAAGCTGCG, p.Gln625fs (NM_001407150.1); c.1755_1758delinsCAGCGCCATCAAGCTGCG, p.Gln585fs (NM_001407151.1); c.1569_1572delinsCAGCGCCATCAAGCTGCG, p.Gln523fs (NM_001407152.1); short protein forms Q583fs, Q620fs, Q523fs, Q585fs, Q625fs, Q543fs, Q578fs.
Identifiers: ClinVar variation 5024307 (VCV005024307.1).

ClinVar aggregate classification (germline): Uncertain significance (1 of 4 stars; one submission).

Conditions:
Hereditary cancer-predisposing syndrome. Also called: Neoplastic Syndromes, Hereditary; Tumor predisposition; Hereditary neoplastic syndrome; Hereditary Cancer Syndrome. Identifiers: Orphanet 140162, MedGen C0027672, MeSH D009386, MONDO:0015356.

Submission:

Ambry Genetics
Classification: Uncertain significance for Hereditary cancer-predisposing syndrome. Last evaluated: 2026-09-01. Review status: criteria provided, single submitter. Criteria: Ambry Variant Classification Scheme 2023. Collection method: clinical testing. Allele origin: germline.
Comment: The c.1734_1737delACTCins18 variant, located in coding exon 9 of the MEN1 gene, results from the deletion of 4 nucleotides and insertion of 18 nucleotides (CAGCGCCATCAAGCTGCG) causing a translational frameshift with a predicted alternate stop codon (p.Q578Hfs*15). This variant occurs at the 3' terminus of the gene, is not expected to trigger nonsense-mediated mRNAdecay, and impacts the last 5% of the protein. The exact functional effect of this variant is unknown. Based on the available evidence, the clinical significance of this variant remains unclear.